The following is an entry in ClinVar:

NM_020041.3(SLC2A9):c.795C>T (p.Asn265=)

Gene: SLC2A9 (solute carrier family 2 member 9; minus strand). Cytogenetic location: 4p16.1.
Variant type: single nucleotide variant.
Coding change: c.795C>T on transcript NM_020041.3 (MANE Select); coding-DNA position 795, C replaced by T.
Protein change: p.Asn265=; no amino-acid change (asparagine 265 retained).
Molecular consequence: synonymous variant.
Genome position (GRCh38, 1-based): chr4:9,941,932, G>A on the plus strand (C>T on the coding strand, the complement: SLC2A9 is on the minus strand). VCF-style: chr4-9941932-G-A. GRCh37 (hg19) VCF-style: chr4-9943556-G-A.
Other names: c.795C>T (NM_020041.2); c.708C>T, p.Asn236= (NM_001001290.2).
Identifiers: ClinVar variation 1106602 (VCV001106602.11), dbSNP rs112580274, ClinGen allele CA2857094.

ClinVar aggregate classification (germline): Likely benign. Review status: criteria provided, multiple submitters, no conflicts (2 of 4 stars). 3 submissions from 3 submitters: Likely benign (3). Last evaluated 2025-07-08.

Conditions:
SLC2A9-related disorder. Also called: SLC2A9-related condition.
Hypouricemia, renal, 2. Also called: HYPOURICEMIA, RENAL, 2, AUTOSOMAL DOMINANT; HYPOURICEMIA, RENAL, 2, AUTOSOMAL RECESSIVE. Identifiers: MedGen C2677549, MONDO:0012793, OMIM 612076.

Allele frequency attached by ClinVar (database versions not stated): ExAC 0.00002; gnomAD 0.00002; gnomAD exomes 0.00003; TOPMed 0.00003.
gnomAD v4.1: 40 of 1,613,994 alleles (0.0025%); highest among the groups gnomAD compares: Admixed American, 0.005%; no homozygotes.

Submissions (3):

PreventionGenetics, part of Exact Sciences
Classification: Likely benign for SLC2A9-related condition. Last evaluated: 2025-07-08. Review status: criteria provided, single submitter. Criteria: ACMG Guidelines, 2015. Collection method: clinical testing. Allele origin: germline.
Comment: This variant is classified as likely benign based on ACMG/AMP sequence variant interpretation guidelines (Richards et al. 2015 PMID: 25741868, with internal and published modifications).

Fulgent Genetics
Classification: Likely benign for Hypouricemia, renal, 2. Last evaluated: 2022-04-08. Review status: criteria provided, single submitter. Criteria: ACMG Guidelines, 2015. Collection method: clinical testing. Allele origin: unknown.

Labcorp Genetics (formerly Invitae), Labcorp
Classification: Likely benign. Last evaluated: 2020-03-06. Review status: criteria provided, single submitter. Criteria: Invitae Variant Classification Sherloc (09022015). Collection method: clinical testing. Allele origin: germline.